The following is an entry in ClinVar:

ClinVar aggregate classification (germline): Uncertain significance. Review status: criteria provided, multiple submitters, no conflicts (2 of 4 stars). 2 submissions from 2 submitters: Uncertain significance (2). Last evaluated 2024-08-14.

Allele frequency attached by ClinVar (database versions not stated): gnomAD 0.00007; TOPMed 0.00036; ExAC 0.00002; gnomAD exomes 0.00002.
gnomAD v4.1: 42 of 1,613,202 alleles (0.0026%); highest among the groups gnomAD compares: Admixed American, 0.027%; no homozygotes.

Submissions (2):

Labcorp Genetics (formerly Invitae), Labcorp
Classification: Uncertain significance. Last evaluated: 2024-08-14. Review status: criteria provided, single submitter. Criteria: Invitae Variant Classification Sherloc (09022015). Collection method: clinical testing. Allele origin: germline.
Comment: This sequence change replaces arginine, which is basic and polar, with cysteine, which is neutral and slightly polar, at codon 619 of the TRAP1 protein (p.Arg619Cys). The frequency data for this variant in the population databases is considered unreliable, as metrics indicate poor data quality at this position in the gnomAD database. This variant has not been reported in the literature in individuals affected with TRAP1-related conditions. ClinVar contains an entry for this variant (Variation ID: 1359787). Invitae Evidence Modeling of protein sequence and biophysical properties (such as structural, functional, and spatial information, amino acid conservation, physicochemical variation, residue mobility, and thermodynamic stability) indicates that this missense variant is expected to disrupt TRAP1 protein function with a positive predictive value of 80%. In summary, the available evidence is currently insufficient to determine the role of this variant in disease. Therefore, it has been classified as a Variant of Uncertain Significance.

Ambry Genetics
Classification: Uncertain significance. Last evaluated: 2021-09-01. Review status: criteria provided, single submitter. Criteria: Ambry Variant Classification Scheme 2023. Collection method: clinical testing. Allele origin: germline.

NM_016292.3(TRAP1):c.1855C>T (p.Arg619Cys)

Genes: DNASE1 (deoxyribonuclease 1; plus strand), TRAP1 (TNF receptor associated protein 1; minus strand). Cytogenetic location: 16p13.3.
Variant type: single nucleotide variant.
Coding change: c.1855C>T on transcript NM_016292.3 (MANE Select); coding-DNA position 1855, C replaced by T.
Protein change: p.Arg619Cys; replaces arginine 619 with cysteine.
Molecular consequence: missense variant. On other transcripts: intron variant (1).
Genome position (GRCh38, 1-based): chr16:3,662,072, G>A on the plus strand (C>T on the coding strand, the complement: TRAP1 is on the minus strand). VCF-style: chr16-3662072-G-A. GRCh37 (hg19) VCF-style: chr16-3712073-G-A.
Other names: c.*22-574G>A (NM_001387140.1); c.1696C>T, p.Arg566Cys (NM_001272049.2); short protein forms R619C, R566C.
Identifiers: ClinVar variation 1359787 (VCV001359787.9), dbSNP rs781709401, ClinGen allele CA7867784.